The following is an entry in ClinVar:

ClinVar aggregate classification (germline): Benign (0 of 4 stars; one submission).

Conditions:
SPINK2-related disorder. Also called: SPINK2-related condition.

Allele frequency attached by ClinVar (database versions not stated): gnomAD exomes 0.00037; ExAC 0.00137; 1000 Genomes Project 0.00300; 1000 Genomes Project 30x 0.00375; gnomAD 0.00395; TOPMed 0.00443; ESP Exome Variant Server 0.00500.
gnomAD v4.1: 1,156 of 1,609,610 alleles (0.072%); highest among the groups gnomAD compares: African/African-American, 1.4%; 5 homozygotes.

Submission:

PreventionGenetics, part of Exact Sciences
Classification: Benign for SPINK2-related condition. Last evaluated: 2019-08-13. Review status: no assertion criteria provided. Collection method: clinical testing. Allele origin: germline.
Comment: This variant is classified as benign based on ACMG/AMP sequence variant interpretation guidelines (Richards et al. 2015 PMID: 25741868, with internal and published modifications).

NM_001271718.2(SPINK2):c.216C>T (p.Ile72=)

Gene: SPINK2 (serine peptidase inhibitor Kazal type 2; minus strand). Cytogenetic location: 4q12.
Variant type: single nucleotide variant.
Coding change: c.216C>T on transcript NM_001271718.2 (MANE Select); coding-DNA position 216, C replaced by T.
Protein change: p.Ile72=; no amino-acid change (isoleucine 72 retained).
Molecular consequence: synonymous variant. On other transcripts: non-coding transcript variant (2), intron variant (3).
Genome position (GRCh38, 1-based): chr4:56,820,569, G>A on the plus strand (C>T on the coding strand, the complement: SPINK2 is on the minus strand). VCF-style: chr4-56820569-G-A. GRCh37 (hg19) VCF-style: chr4-57686735-G-A.
Other names: c.171C>T, p.Ile57= (NM_001271720.2); c.66C>T, p.Ile22= (NM_021114.4); c.161-30C>T (NM_001271721.2); c.205+889C>T (NM_001271722.2); c.206-30C>T (NM_001271719.2).
Identifiers: ClinVar variation 3053347 (VCV003053347.2), dbSNP rs114989645, ClinGen allele CA2931967.